The following is an entry in ClinVar:

ClinVar aggregate classification (germline): Uncertain significance (1 of 4 stars; one submission).

Conditions:
Hereditary cancer-predisposing syndrome. Also called: Hereditary Cancer Syndrome; Neoplastic Syndromes, Hereditary; Tumor predisposition; Hereditary neoplastic syndrome. Identifiers: Orphanet 140162, MedGen C0027672, MeSH D009386, MONDO:0015356.

Submission:

Ambry Genetics
Classification: Uncertain significance for Hereditary cancer-predisposing syndrome. Last evaluated: 2026-07-07. Review status: criteria provided, single submitter. Criteria: Ambry Variant Classification Scheme 2023. Collection method: clinical testing. Allele origin: germline.
Comment: The p.P1836R variant (also known as c.5507C>G), located in coding exon 24 of the DICER1 gene, results from a C to G substitution at nucleotide position 5507. The proline at codon 1836 is replaced by arginine, an amino acid with dissimilar properties. This amino acid position is conserved. In addition, this alteration is predicted to be deleterious by in silico analysis. Based on the available evidence, the clinical significance of this variant remains unclear.

NM_177438.3(DICER1):c.5507C>G (p.Pro1836Arg)

Gene: DICER1 (dicer 1, ribonuclease III; minus strand). Cytogenetic location: 14q32.13.
Variant type: single nucleotide variant.
Coding change: c.5507C>G on transcript NM_177438.3 (MANE Select); coding-DNA position 5507, C replaced by G.
Protein change: p.Pro1836Arg; replaces proline 1836 with arginine.
Molecular consequence: missense variant. On other transcripts: non-coding transcript variant (6), intron variant (1).
Genome position (GRCh38, 1-based): chr14:95,091,223, G>C on the plus strand (C>G on the coding strand, the complement: DICER1 is on the minus strand). VCF-style: chr14-95091223-G-C. GRCh37 (hg19) VCF-style: chr14-95557560-G-C.
Other names: c.5507C>G, p.Pro1836Arg (NM_001271282.3, NM_001291628.2, NM_001395677.1 and 7 more transcripts); c.5225C>G, p.Pro1742Arg (NM_001395686.1); c.5102C>G, p.Pro1701Arg (NM_001395687.1, NM_001395688.1, NM_001395689.1 and 1 more transcripts); c.4940C>G, p.Pro1647Arg (NM_001395691.1); c.3824C>G, p.Pro1275Arg (NM_001395697.1); c.5365-114C>G (NM_001195573.1); short protein forms P1275R, P1701R, P1742R, P1647R, P1836R.
Identifiers: ClinVar variation 5035283 (VCV005035283.1).